The following is an entry in ClinVar:

ClinVar aggregate classification (germline): Uncertain significance (1 of 4 stars; one submission).

Submission:

Labcorp Genetics (formerly Invitae), Labcorp
Classification: Uncertain significance. Last evaluated: 2019-12-20. Review status: criteria provided, single submitter. Criteria: Invitae Variant Classification Sherloc (09022015). Collection method: clinical testing. Allele origin: germline.
Comment: In summary, the available evidence is currently insufficient to determine the role of this variant in disease. Therefore, it has been classified as a Variant of Uncertain Significance. Algorithms developed to predict the effect of missense changes on protein structure and function (SIFT, PolyPhen-2, Align-GVGD) all suggest that this variant is likely to be disruptive, but these predictions have not been confirmed by published functional studies and their clinical significance is uncertain. This variant has not been reported in the literature in individuals with CPA1-related conditions. This variant is not present in population databases (ExAC no frequency). This sequence change replaces tryptophan with arginine at codon 367 of the CPA1 protein (p.Trp367Arg). The tryptophan residue is highly conserved and there is a moderate physicochemical difference between tryptophan and arginine.

NM_001868.4(CPA1):c.1099T>C (p.Trp367Arg)

Gene: CPA1 (carboxypeptidase A1; plus strand). Cytogenetic location: 7q32.2.
Variant type: single nucleotide variant.
Coding change: c.1099T>C on transcript NM_001868.4 (MANE Select); coding-DNA position 1099, T replaced by C.
Protein change: p.Trp367Arg; replaces tryptophan 367 with arginine.
Molecular consequence: missense variant.
Genome position (GRCh38, 1-based): chr7:130,387,850, T>C. VCF-style: chr7-130387850-T-C. GRCh37 (hg19) VCF-style: chr7-130027691-T-C.
Other names: short protein forms W367R.
Identifiers: ClinVar variation 847932 (VCV000847932.10), dbSNP rs1796499479, ClinGen allele CA369284228.
Genomic context (GRCh38, chr7:130,387,850, plus strand): 5'-TGACCCTTTCTCTCCTATTTTACTCCTGCCCCAGATCAAGCCAGTGGAAGCACTATTGAC[T>C]GGACCTACAGCCAGGGCATCAAGTACTCCTTCACCTTCGAGCTCCGGGACACTGGGCGCT-3'
Protein context (NP_001859.1, residues 357-377): IYQASGSTID[Trp367Arg]TYSQGIKYSF